The following is an entry in ClinVar:

ClinVar aggregate classification (germline): Uncertain significance (1 of 4 stars; one submission).

Allele frequency attached by ClinVar (database versions not stated): ExAC 0.00008; ESP Exome Variant Server 0.00015; 1000 Genomes Project 30x 0.00031; 1000 Genomes Project 0.00040.

Submission:

Labcorp Genetics (formerly Invitae), Labcorp
Classification: Uncertain significance. Last evaluated: 2022-08-15. Review status: criteria provided, single submitter. Criteria: Invitae Variant Classification Sherloc (09022015). Collection method: clinical testing. Allele origin: germline.
Comment: In summary, the available evidence is currently insufficient to determine the role of this variant in disease. Therefore, it has been classified as a Variant of Uncertain Significance. Algorithms developed to predict the effect of missense changes on protein structure and function are either unavailable or do not agree on the potential impact of this missense change (SIFT: "Tolerated"; PolyPhen-2: "Possibly Damaging"; Align-GVGD: "Class C0"). This variant has not been reported in the literature in individuals affected with NUP205-related conditions. This variant is present in population databases (rs144379451, gnomAD 0.1%). This sequence change replaces arginine, which is basic and polar, with lysine, which is basic and polar, at codon 206 of the NUP205 protein (p.Arg206Lys).

NM_015135.3(NUP205):c.617G>A (p.Arg206Lys)

Gene: NUP205 (nucleoporin 205; plus strand). Cytogenetic location: 7q33.
Variant type: single nucleotide variant.
Coding change: c.617G>A on transcript NM_015135.3 (MANE Select); coding-DNA position 617, G replaced by A.
Protein change: p.Arg206Lys; replaces arginine 206 with lysine.
Molecular consequence: missense variant. On other transcripts: 5 prime UTR variant (1).
Genome position (GRCh38, 1-based): chr7:135,577,097, G>A. VCF-style: chr7-135577097-G-A. GRCh37 (hg19) VCF-style: chr7-135261845-G-A.
Other names: c.-469G>A (NM_001329434.2); short protein forms R206K.
Identifiers: ClinVar variation 2072168 (VCV002072168.3), dbSNP rs144379451, ClinGen allele CA4497897.
Genomic context (GRCh38, chr7:135,577,097, plus strand): 5'-TTCTTACGCTGGTGTCACAGATTGATGTGAATAATGAGTTTGAGAAACTACAGCGAGAGA[G>A]AGGTTTGGGCAGTGAAAAACATCGCAAAGAGGCAAGGGTTCAATGAAATCAATTCATGAG-3'
Protein context (NP_055950.2, residues 196-216): NNEFEKLQRE[Arg206Lys]GLGSEKHRKE